The following is an entry in ClinVar:

ClinVar aggregate classification (germline): Uncertain significance. Review status: criteria provided, multiple submitters, no conflicts (2 of 4 stars). 2 submissions from 2 submitters: Uncertain significance (2). Last evaluated 2025-09-10.

Conditions:
Long QT syndrome (LQTS). Identifiers: MedGen C0023976, MeSH D008133, MONDO:0002442. Disease mechanism: loss of function. Inheritance: Various modes of inheritance.
Cardiovascular phenotype. Identifiers: MedGen CN230736.

gnomAD v4.1: 7 of 1,614,136 alleles (0.00043%); highest among the groups gnomAD compares: South Asian, 0.0066%; no homozygotes.

Submissions (2):

Labcorp Genetics (formerly Invitae), Labcorp
Classification: Uncertain significance for Long QT syndrome. Last evaluated: 2025-09-10. Review status: criteria provided, single submitter. Criteria: Invitae Variant Classification Sherloc (09022015). Collection method: clinical testing. Allele origin: germline.
Comment: This sequence change replaces glutamic acid, which is acidic and polar, with glycine, which is neutral and non-polar, at codon 2969 of the ANK2 protein (p.Glu2969Gly). This variant is present in population databases (rs754720818, gnomAD 0.006%). This variant has not been reported in the literature in individuals affected with ANK2-related conditions. ClinVar contains an entry for this variant (Variation ID: 3541042). An algorithm developed to predict the effect of missense changes on protein structure and function outputs the following: PolyPhen-2: "Benign". The glycine amino acid residue is found in multiple mammalian species, which suggests that this missense change does not adversely affect protein function. In summary, the available evidence is currently insufficient to determine the role of this variant in disease. Therefore, it has been classified as a Variant of Uncertain Significance.

Ambry Genetics
Classification: Uncertain significance for Cardiovascular phenotype. Last evaluated: 2024-09-04. Review status: criteria provided, single submitter. Criteria: Ambry Variant Classification Scheme 2023. Collection method: clinical testing. Allele origin: germline.

NM_001148.6(ANK2):c.8906A>G (p.Glu2969Gly)

Gene: ANK2 (ankyrin 2; plus strand). Cytogenetic location: 4q26.
Variant type: single nucleotide variant.
Coding change: c.8906A>G on transcript NM_001148.6 (MANE Select); coding-DNA position 8906, A replaced by G.
Protein change: p.Glu2969Gly; replaces glutamic acid 2969 with glycine.
Molecular consequence: missense variant. On other transcripts: intron variant (68).
Genome position (GRCh38, 1-based): chr4:113,357,524, A>G. VCF-style: chr4-113357524-A-G. GRCh37 (hg19) VCF-style: chr4-114278680-A-G.
Other names: c.8672A>G, p.Glu2891Gly (NM_001386142.1); c.5306A>G, p.Glu1769Gly (NM_001386166.1); c.9047A>G, p.Glu3016Gly (NM_001386174.1); c.9023A>G, p.Glu3008Gly (NM_001386175.1); c.4412-3299A>G (NM_001386186.2, NM_001386148.2); c.4214-3299A>G (NM_001354269.3); c.4292-3299A>G (NM_001386187.2); c.4253-3299A>G (NM_001386147.1); and 35 more; short protein forms E1769G, E2891G, E3016G, E3008G, E2969G.
Identifiers: ClinVar variation 3541042 (VCV003541042.2).